The following is an entry in ClinVar:

NM_001370259.2(MEN1):c.1296G>A (p.Leu432=)

Gene: MEN1 (menin 1; minus strand). Cytogenetic location: 11q13.1.
Variant type: single nucleotide variant.
Coding change: c.1296G>A on transcript NM_001370259.2 (MANE Select); coding-DNA position 1296, G replaced by A.
Protein change: p.Leu432=; no amino-acid change (leucine 432 retained).
Molecular consequence: synonymous variant.
Genome position (GRCh38, 1-based): chr11:64,805,088, C>T on the plus strand (G>A on the coding strand, the complement: MEN1 is on the minus strand). VCF-style: chr11-64805088-C-T. GRCh37 (hg19) VCF-style: chr11-64572560-C-T.
Other names: p.Leu432=; c.1296G>A, p.Leu432= (NM_001370260.2, NM_001370261.2, NM_130799.3); c.1191G>A, p.Leu397= (NM_001370262.2, NM_001370263.2); c.1311G>A, p.Leu437= (NM_130800.3, NM_130801.3, NM_130802.3 and 3 more transcripts); c.1422G>A, p.Leu474= (NM_001370251.2).
Identifiers: ClinVar variation 36524 (VCV000036524.88), dbSNP rs138770431, ClinGen allele CA009109.
Genomic context (GRCh38, chr11:64,805,088, plus strand): 5'-CCTCACCTGTCCCTCAAAACGGCCTAGGGACTGCACAAGAAAGGTGGCCCAGCCCACATG[C>T]AGCACAGGCGTGGGACTGCCCTCCTCCCATTTGCAGATGCCGTCGTAGAATCGCAGCAGG-3'
Protein context (NP_001357188.2, residues 422-442): KWEEGSPTPV[Leu432=]HVGWATFLVQ

ClinVar aggregate classification (germline): Conflicting classifications of pathogenicity. Review status: criteria provided, conflicting classifications (1 of 4 stars). 20 submissions from 19 submitters: Uncertain significance (1); Benign (7); Likely benign (8). 4 of the submissions do not count toward it. Last evaluated 2026-09-01.

Conditions:
MEN1-related disorder. Also called: MEN1-related condition.
Hyperparathyroidism. Identifiers: MedGen C0020502, MONDO:0001741, HP:0000843.
Hereditary cancer-predisposing syndrome. Also called: Neoplastic Syndromes, Hereditary; Hereditary neoplastic syndrome; Hereditary Cancer Syndrome; Tumor predisposition. Identifiers: Orphanet 140162, MedGen C0027672, MeSH D009386, MONDO:0015356.
Multiple endocrine neoplasia, type 1 (MEN1). Also called: MEA I; MEN I; WERMER SYNDROME; Endocrine adenomatosis multiple; MEN 1. Identifiers: Orphanet 652, MedGen C0025267, MeSH D018761, MONDO:0007540, OMIM 131100.

Allele frequency attached by ClinVar (database versions not stated): gnomAD 0.00117 and 0.00119; ESP Exome Variant Server 0.00131; TOPMed 0.00144; gnomAD exomes 0.00147 and 0.00115; 1000 Genomes Project 30x 0.00062; 1000 Genomes Project 0.00080; ExAC 0.00102.
gnomAD v4.1: 2,341 of 1,614,160 alleles (0.15%); highest among the groups gnomAD compares: Middle Eastern, 0.46%; 5 homozygotes.

Submissions (20):

CeGaT Center for Human Genetics Tuebingen
Classification: Likely benign. Last evaluated: 2026-09-01. Review status: criteria provided, single submitter. Criteria: CeGaT Center For Human Genetics Tuebingen Variant Classification Criteria Version 2. Collection method: clinical testing. Allele origin: germline. Affected: yes. Observed: 31 variant alleles.
Comment: MEN1: BP4, BS1

Labcorp Genetics (formerly Invitae), Labcorp
Classification: Benign for Multiple endocrine neoplasia, type 1. Last evaluated: 2026-02-03. Review status: criteria provided, single submitter. Criteria: Invitae Variant Classification Sherloc (09022015). Collection method: clinical testing. Allele origin: germline.

Mayo Clinic Laboratories, Mayo Clinic
Classification: Likely benign. Last evaluated: 2025-10-06. Review status: criteria provided, single submitter. Criteria: ACMG Guidelines, 2015. Collection method: clinical testing. Allele origin: germline. Observed: 2 variant alleles.
Comment: BS1, BP4

Center for Genomic Medicine, Rigshospitalet, Copenhagen University Hospital
Classification: Likely benign. Last evaluated: 2025-03-04. Review status: criteria provided, single submitter. Criteria: ACMG Guidelines, 2015. Collection method: clinical testing. Allele origin: germline.

Blueprint Genetics
Classification: Likely benign. Last evaluated: 2024-10-30. Review status: criteria provided, single submitter. Criteria: ACMG Guidelines, 2015. Collection method: clinical testing. Allele origin: germline.

Department of Pathology and Laboratory Medicine, Sinai Health System
Classification: Likely benign for Multiple endocrine neoplasia, type 1. Last evaluated: 2024-04-03. Review status: criteria provided, single submitter. Criteria: ACMG Guidelines, 2015. Collection method: clinical testing. Allele origin: germline. Affected: yes.

Color Diagnostics, LLC DBA Color Health
Classification: Benign for Multiple endocrine neoplasia, type 1. Last evaluated: 2022-09-20. Review status: criteria provided, single submitter. Criteria: ACMG Guidelines, 2015. Collection method: clinical testing. Allele origin: germline.

Women's Health and Genetics/Laboratory Corporation of America, LabCorp
Classification: Benign. Last evaluated: 2021-10-20. Review status: criteria provided, single submitter. Criteria: LabCorp Variant Classification Summary - May 2015. Collection method: clinical testing. Allele origin: germline.

Sema4
Classification: Benign for Hereditary cancer-predisposing syndrome. Last evaluated: 2021-04-02. Review status: criteria provided, single submitter. Criteria: Sema4 Curation Guidelines. Collection method: curation. Allele origin: germline.

Genetic Services Laboratory, University of Chicago
Classification: Likely benign. Last evaluated: 2021-01-25. Review status: criteria provided, single submitter. Criteria: ACMG Guidelines, 2015. Collection method: clinical testing. Allele origin: germline. Affected: no.

Illumina Laboratory Services, Illumina
Classification: Benign for Multiple endocrine neoplasia, type 1. Last evaluated: 2018-01-13. Review status: criteria provided, single submitter. Criteria: ICSL Variant Classification Criteria 13 December 2019. Collection method: clinical testing. Allele origin: germline.
Comment: This variant was observed in the ICSL laboratory as part of a predisposition screen in an ostensibly healthy population. It had not been previously curated by ICSL or reported in the Human Gene Mutation Database (HGMD: prior to June 1st, 2018), and was therefore a candidate for classification through an automated scoring system. Utilizing variant allele frequency, disease prevalence and penetrance estimates, and inheritance mode, an automated score was calculated to assess if this variant is too frequent to cause the disease. Based on the score and internal cut-off values, a variant classified as benign is not then subjected to further curation. The score for this variant resulted in a classification of benign for this disease.

Illumina Laboratory Services, Illumina
Classification: Uncertain significance for Hyperparathyroidism. Last evaluated: 2018-01-13. Review status: criteria provided, single submitter. Criteria: ICSL Variant Classification Criteria 13 December 2019. Collection method: clinical testing. Allele origin: germline.

ARUP Laboratories, Molecular Genetics and Genomics, ARUP Laboratories
Classification: Benign. Last evaluated: 2016-08-15. Review status: criteria provided, single submitter. Criteria: ARUP Molecular Germline Variant Investigation Process. Collection method: clinical testing. Allele origin: germline.

Eurofins Ntd Llc (ga)
Classification: Likely benign. Last evaluated: 2016-05-26. Review status: criteria provided, single submitter. Criteria: EGL Classification Definitions 2015. Collection method: clinical testing. Allele origin: germline. Observed: 1 variant allele, 1 heterozygote.

Ambry Genetics
Classification: Likely benign for Hereditary cancer-predisposing syndrome. Last evaluated: 2015-07-31. Review status: criteria provided, single submitter. Criteria: Ambry Variant Classification Scheme 2023. Collection method: clinical testing. Allele origin: germline.

GeneDx
Classification: Benign. Last evaluated: 2015-06-03. Review status: criteria provided, single submitter. Criteria: GeneDx Variant Classification (06012015). Collection method: clinical testing. Allele origin: germline. Affected: yes.
Comment: This variant is considered likely benign or benign based on one or more of the following criteria: it is a conservative change, it occurs at a poorly conserved position in the protein, it is predicted to be benign by multiple in silico algorithms, and/or has population frequency not consistent with disease.

PreventionGenetics, part of Exact Sciences
Classification: Benign for MEN1-related condition. Last evaluated: 2021-03-30. Review status: no assertion criteria provided. Collection method: clinical testing. Allele origin: germline. Not counted in ClinVar's aggregate classification.
Comment: This variant is classified as benign based on ACMG/AMP sequence variant interpretation guidelines (Richards et al. 2015 PMID: 25741868, with internal and published modifications).

Clinical Genetics DNA and cytogenetics Diagnostics Lab, Erasmus MC, Erasmus Medical Center
Classification: Likely benign. Review status: no assertion criteria provided. Collection method: clinical testing. Allele origin: germline. Affected: yes. Study: VKGL Data-share Consensus. Not counted in ClinVar's aggregate classification.

Diagnostic Laboratory, Department of Genetics, University Medical Center Groningen
Classification: Likely benign. Review status: no assertion criteria provided. Collection method: clinical testing. Allele origin: germline. Affected: yes. Study: VKGL Data-share Consensus. Not counted in ClinVar's aggregate classification.

Joint Genome Diagnostic Labs from Nijmegen and Maastricht, Radboudumc and MUMC+
Classification: Likely benign. Review status: no assertion criteria provided. Collection method: clinical testing. Allele origin: germline. Affected: yes. Study: VKGL Data-share Consensus. Not counted in ClinVar's aggregate classification.

Literature cited by the submitters: PubMed 16563611 (cited by 3 submitters); PubMed 9215689 (cited by 3 submitters); PubMed 9935177 (cited by Department of Pathology and Laboratory Medicine, Sinai Health System and Women's Health and Genetics/Laboratory Corporation of America, LabCorp); PubMed 15205994 (cited by Department of Pathology and Laboratory Medicine, Sinai Health System and Women's Health and Genetics/Laboratory Corporation of America, LabCorp); PubMed 9103196 (cited by Women's Health and Genetics/Laboratory Corporation of America, LabCorp and Ambry Genetics); PubMed 10617276 (cited by Women's Health and Genetics/Laboratory Corporation of America, LabCorp); PubMed 9888389 (cited by Women's Health and Genetics/Laboratory Corporation of America, LabCorp); PubMed 15464422 (cited by Women's Health and Genetics/Laboratory Corporation of America, LabCorp); PubMed 11524904 (cited by Women's Health and Genetics/Laboratory Corporation of America, LabCorp); PubMed 15281352 (cited by Women's Health and Genetics/Laboratory Corporation of America, LabCorp); PubMed 17590169 (cited by Women's Health and Genetics/Laboratory Corporation of America, LabCorp); PubMed 17953629 (cited by Women's Health and Genetics/Laboratory Corporation of America, LabCorp); PubMed 17879353 (cited by Women's Health and Genetics/Laboratory Corporation of America, LabCorp and Ambry Genetics); PubMed 20833329 (cited by Ambry Genetics); PubMed 23933118 (cited by Ambry Genetics).